The following is an entry in ClinVar:

NM_001130144.3(LTBP3):c.864G>T (p.Pro288=)

Gene: LTBP3 (latent transforming growth factor beta binding protein 3; minus strand). Cytogenetic location: 11q13.1.
Variant type: single nucleotide variant.
Coding change: c.864G>T on transcript NM_001130144.3 (MANE Select); coding-DNA position 864, G replaced by T.
Protein change: p.Pro288=; no amino-acid change (proline 288 retained).
Molecular consequence: synonymous variant.
Genome position (GRCh38, 1-based): chr11:65,553,701, C>A on the plus strand (G>T on the coding strand, the complement: LTBP3 is on the minus strand). VCF-style: chr11-65553701-C-A. GRCh37 (hg19) VCF-style: chr11-65321172-C-A.
Other names: p.Pro288=; c.513G>T, p.Pro171= (NM_001164266.1); c.864G>T, p.Pro288= (NM_021070.4); c.864G>T (NM_001130144.2).
Identifiers: ClinVar variation 1483733 (VCV001483733.8), dbSNP rs201987018, ClinGen allele CA6101149.

ClinVar aggregate classification (germline): Conflicting classifications of pathogenicity. Review status: criteria provided, conflicting classifications (1 of 4 stars). 3 submissions from 3 submitters: Uncertain significance (1); Likely benign (2). Last evaluated 2025-10-23.

Conditions:
LTBP3-related disorder. Also called: LTBP3-related condition.
Brachyolmia-amelogenesis imperfecta syndrome. Also called: Tooth agenesis, selective, 6; Dental anomalies and short stature; PLATYSPONDYLY WITH AMELOGENESIS IMPERFECTA. Identifiers: Orphanet 2899, MedGen C1832594, MONDO:0011018, OMIM 601216. Disease mechanism: loss of function.

Allele frequency attached by ClinVar (database versions not stated): ExAC 0.00015; gnomAD 0.00022 and 0.00024; TOPMed 0.00027; ESP Exome Variant Server 0.00031.

Submissions (3):

Labcorp Genetics (formerly Invitae), Labcorp
Classification: Uncertain significance for Brachyolmia-amelogenesis imperfecta syndrome. Last evaluated: 2025-10-23. Review status: criteria provided, single submitter. Criteria: Invitae Variant Classification Sherloc (09022015). Collection method: clinical testing. Allele origin: germline.
Comment: This sequence change affects codon 288 of the LTBP3 mRNA. It is a 'silent' change, meaning that it does not change the encoded amino acid sequence of the LTBP3 protein. This variant also falls at the last nucleotide of exon 3, which is part of the consensus splice site for this exon. The frequency data for this variant in the population databases is considered unreliable, as metrics indicate poor data quality at this position in the gnomAD database. This variant has not been reported in the literature in individuals affected with LTBP3-related conditions. ClinVar contains an entry for this variant (Variation ID: 1483733). Variants that disrupt the consensus splice site are a relatively common cause of aberrant splicing (PMID: 17576681, 9536098). Algorithms developed to predict the effect of sequence changes on RNA splicing suggest that this variant is not likely to affect RNA splicing. In summary, the available evidence is currently insufficient to determine the role of this variant in disease. Therefore, it has been classified as a Variant of Uncertain Significance.

PreventionGenetics, part of Exact Sciences
Classification: Likely benign for LTBP3-related condition. Last evaluated: 2025-06-27. Review status: criteria provided, single submitter. Criteria: ACMG Guidelines, 2015. Collection method: clinical testing. Allele origin: germline.
Comment: This variant is classified as likely benign based on ACMG/AMP sequence variant interpretation guidelines (Richards et al. 2015 PMID: 25741868, with internal and published modifications).

Mayo Clinic Laboratories, Mayo Clinic
Classification: Likely benign. Last evaluated: 2025-03-25. Review status: criteria provided, single submitter. Criteria: ACMG Guidelines, 2015. Collection method: clinical testing. Allele origin: germline. Observed: 1 variant allele.
Comment: BP4, BP7

Literature cited by the submitters: PubMed 17576681 (cited by Labcorp Genetics (formerly Invitae), Labcorp); PubMed 9536098 (cited by Labcorp Genetics (formerly Invitae), Labcorp).